The following is an entry in ClinVar:

NM_013276.4(SHPK):c.902C>T (p.Thr301Met)

Gene: SHPK (sedoheptulokinase; minus strand). Cytogenetic location: 17p13.2.
Variant type: single nucleotide variant.
Coding change: c.902C>T on transcript NM_013276.4 (MANE Select); coding-DNA position 902, C replaced by T.
Protein change: p.Thr301Met; replaces threonine 301 with methionine.
Molecular consequence: missense variant.
Genome position (GRCh38, 1-based): chr17:3,615,459, G>A on the plus strand (C>T on the coding strand, the complement: SHPK is on the minus strand). VCF-style: chr17-3615459-G-A. GRCh37 (hg19) VCF-style: chr17-3518753-G-A.
Other names: short protein forms T301M.
Identifiers: ClinVar variation 2051914 (VCV002051914.4), dbSNP rs150076372, ClinGen allele CA8291183.

ClinVar aggregate classification (germline): Uncertain significance (1 of 4 stars; one submission).

Allele frequency attached by ClinVar (database versions not stated): TOPMed 0.00034; gnomAD 0.00040; ExAC 0.00058; ESP Exome Variant Server 0.00077.
gnomAD v4.1: 905 of 1,614,032 alleles (0.056%); highest among the groups gnomAD compares: Non-Finnish European, 0.072%; 3 homozygotes.

Submission:

Labcorp Genetics (formerly Invitae), Labcorp
Classification: Uncertain significance. Last evaluated: 2025-03-06. Review status: criteria provided, single submitter. Criteria: Invitae Variant Classification Sherloc (09022015). Collection method: clinical testing. Allele origin: germline.
Comment: This sequence change replaces threonine, which is neutral and polar, with methionine, which is neutral and non-polar, at codon 301 of the SHPK protein (p.Thr301Met). This variant is present in population databases (rs150076372, gnomAD 0.08%), and has an allele count higher than expected for a pathogenic variant. This variant has not been reported in the literature in individuals affected with SHPK-related conditions. ClinVar contains an entry for this variant (Variation ID: 2051914). An algorithm developed to predict the effect of missense changes on protein structure and function (PolyPhen-2) suggests that this variant is likely to be tolerated. In summary, the available evidence is currently insufficient to determine the role of this variant in disease. Therefore, it has been classified as a Variant of Uncertain Significance.